The following is an entry in ClinVar:

ClinVar aggregate classification (germline): Uncertain significance (1 of 4 stars; one submission).

gnomAD v4.1: 1 of 1,613,966 alleles (0.000062%); highest among the groups gnomAD compares: African/African-American, 0.0013%; no homozygotes.

Submission:

Labcorp Genetics (formerly Invitae), Labcorp
Classification: Uncertain significance. Last evaluated: 2025-10-18. Review status: criteria provided, single submitter. Criteria: Invitae Variant Classification Sherloc (09022015). Collection method: clinical testing. Allele origin: germline.
Comment: This sequence change replaces leucine, which is neutral and non-polar, with proline, which is neutral and non-polar, at codon 418 of the ANXA11 protein (p.Leu418Pro). This variant is not present in population databases (gnomAD no frequency). This variant has not been reported in the literature in individuals affected with ANXA11-related conditions. An algorithm developed to predict the effect of missense changes on protein structure and function (PolyPhen-2) suggests that this variant is likely to be disruptive. In summary, the available evidence is currently insufficient to determine the role of this variant in disease. Therefore, it has been classified as a Variant of Uncertain Significance.

NM_145868.2(ANXA11):c.1253T>C (p.Leu418Pro)

Genes: ANXA11 (annexin A11; minus strand), LOC126860977 (CDK7 strongly-dependent group 2 enhancer GRCh37_chr10:81917938-81919137; plus strand). Cytogenetic location: 10q22.3.
Variant type: single nucleotide variant.
Coding change: c.1253T>C on transcript NM_145868.2 (MANE Select); coding-DNA position 1253, T replaced by C.
Protein change: p.Leu418Pro; replaces leucine 418 with proline.
Molecular consequence: missense variant.
Genome position (GRCh38, 1-based): chr10:80,159,123, A>G on the plus strand (T>C on the coding strand, the complement: ANXA11 is on the minus strand). VCF-style: chr10-80159123-A-G. GRCh37 (hg19) VCF-style: chr10-81918879-A-G.
Other names: c.1253T>C, p.Leu418Pro (NM_001157.3, NM_001278407.2, NM_001278408.2 and 1 more transcripts); c.1154T>C, p.Leu385Pro (NM_001278409.2); short protein forms L385P, L418P.
Identifiers: ClinVar variation 4774793 (VCV004774793.1).
Genomic context (GRCh38, chr10:80,159,123, plus strand): 5'-GCCCCTGGCAGGTGGGCGGCAAACCTGAGACACTTACCCACGGCCAGCATGCCCTCCTCC[A>G]GGTCCCCGGACATCTCCCGGCAGATGCTCTTCTCAATGTCCCGGCCTGTCATTCTCTGGT-3'
Protein context (NP_665875.1, residues 408-428): KSICREMSGD[Leu418Pro]EEGMLAVVKC